The following is an entry in ClinVar:

ClinVar aggregate classification (germline): Uncertain significance (1 of 4 stars; one submission).

Submission:

Labcorp Genetics (formerly Invitae), Labcorp
Classification: Uncertain significance. Last evaluated: 2022-09-18. Review status: criteria provided, single submitter. Criteria: Invitae Variant Classification Sherloc (09022015). Collection method: clinical testing. Allele origin: germline.
Comment: In summary, the available evidence is currently insufficient to determine the role of this variant in disease. Therefore, it has been classified as a Variant of Uncertain Significance. Advanced modeling of protein sequence and biophysical properties (such as structural, functional, and spatial information, amino acid conservation, physicochemical variation, residue mobility, and thermodynamic stability) performed at Invitae indicates that this missense variant is not expected to disrupt HUWE1 protein function. This variant has not been reported in the literature in individuals affected with HUWE1-related conditions. This variant is not present in population databases (gnomAD no frequency). This sequence change replaces methionine, which is neutral and non-polar, with leucine, which is neutral and non-polar, at codon 1336 of the HUWE1 protein (p.Met1336Leu).

NM_031407.7(HUWE1):c.4006A>T (p.Met1336Leu)

Gene: HUWE1 (HECT, UBA and WWE domain containing E3 ubiquitin protein ligase 1; minus strand). Cytogenetic location: Xp11.22.
Variant type: single nucleotide variant.
Coding change: c.4006A>T on transcript NM_031407.7 (MANE Select); coding-DNA position 4006, A replaced by T.
Protein change: p.Met1336Leu; replaces methionine 1336 with leucine.
Molecular consequence: missense variant.
Genome position (GRCh38, 1-based): chrX:53,591,089, T>A on the plus strand (A>T on the coding strand, the complement: HUWE1 is on the minus strand). VCF-style: chrX-53591089-T-A. GRCh37 (hg19) VCF-style: chrX-53618049-T-A.
Other names: short protein forms M1336L.
Identifiers: ClinVar variation 1995912 (VCV001995912.4), dbSNP rs782123207, ClinGen allele CA413177352.
Genomic context (GRCh38, chrX:53,591,089, plus strand): 5'-GGTGGGTTAAAAGGTACTCTGTGGCCTGCTCCATGGTGCTGGTGTTCAACAGTGCCTCCA[T>A]TGCATGTTCCCTTGTGAAGCCCATGTCCATGAGCTACATAAAGAATGCAAGGGCTCAGAA-3'
Protein context (NP_113584.3, residues 1326-1346): MDMGFTREHA[Met1336Leu]EALLNTSTME